The following is an entry in ClinVar:

NM_000179.3(MSH6):c.237G>T (p.Ser79=)

Gene: MSH6 (mutS homolog 6; plus strand). Cytogenetic location: 2p16.3.
Variant type: single nucleotide variant.
Coding change: c.237G>T on transcript NM_000179.3 (MANE Select); coding-DNA position 237, G replaced by T.
Protein change: p.Ser79=; no amino-acid change (serine 79 retained).
Molecular consequence: synonymous variant. On other transcripts: 5 prime UTR variant (1).
Genome position (GRCh38, 1-based): chr2:47,783,470, G>T. VCF-style: chr2-47783470-G-T. GRCh37 (hg19) VCF-style: chr2-48010609-G-T.
Other names: c.237G>T, p.Ser79= (NM_001281492.2); c.-500G>T (NM_001281493.2).
Identifiers: ClinVar variation 821172 (VCV000821172.7), dbSNP rs1187291533, ClinGen allele CA426120864.

ClinVar aggregate classification (germline): Benign/Likely benign. Review status: criteria provided, multiple submitters, no conflicts (2 of 4 stars). 3 submissions from 3 submitters: Benign (1); Likely benign (2). Last evaluated 2024-12-17.

Conditions:
Hereditary nonpolyposis colorectal neoplasms. Identifiers: MedGen C0009405, MeSH D003123.
Lynch syndrome 5 (LYNCH5). Also called: Colorectal cancer, hereditary nonpolyposis, type 5; Hereditary non-polyposis colorectal cancer, type 5. Identifiers: Orphanet 144, MedGen C1833477, MONDO:0013710, OMIM 614350. Disease mechanism: loss of function.
Hereditary cancer-predisposing syndrome. Also called: Neoplastic Syndromes, Hereditary; Tumor predisposition; Hereditary Cancer Syndrome; Hereditary neoplastic syndrome. Identifiers: Orphanet 140162, MedGen C0027672, MeSH D009386, MONDO:0015356.

Submissions (3):

Myriad Genetics, Inc.
Classification: Benign for Lynch syndrome 5. Last evaluated: 2024-12-17. Review status: criteria provided, single submitter. Criteria: Myriad Autosomal Dominant, Autosomal Recessive and X-Linked Classification Criteria (2023). Collection method: clinical testing. Allele origin: unknown.
Comment: This variant is considered benign. This variant is a silent/synonymous amino acid change and it is not expected to impact splicing.

Labcorp Genetics (formerly Invitae), Labcorp
Classification: Likely benign for Hereditary nonpolyposis colorectal neoplasms. Last evaluated: 2024-06-15. Review status: criteria provided, single submitter. Criteria: Invitae Variant Classification Sherloc (09022015). Collection method: clinical testing. Allele origin: germline.

Ambry Genetics
Classification: Likely benign for Hereditary cancer-predisposing syndrome. Last evaluated: 2019-09-08. Review status: criteria provided, single submitter. Criteria: Ambry Variant Classification Scheme 2023. Collection method: clinical testing. Allele origin: germline.